The following is an entry in ClinVar:

NM_002907.4(RECQL):c.256G>T (p.Val86Phe)

Gene: RECQL (RecQ like helicase; minus strand). Cytogenetic location: 12p12.1.
Variant type: single nucleotide variant.
Coding change: c.256G>T on transcript NM_002907.4 (MANE Select); coding-DNA position 256, G replaced by T.
Protein change: p.Val86Phe; replaces valine 86 with phenylalanine.
Molecular consequence: missense variant.
Genome position (GRCh38, 1-based): chr12:21,490,337, C>A on the plus strand (G>T on the coding strand, the complement: RECQL is on the minus strand). VCF-style: chr12-21490337-C-A. GRCh37 (hg19) VCF-style: chr12-21643271-C-A.
Other names: c.256G>T, p.Val86Phe (NM_032941.3); c.256G>T (NM_002907.3); short protein forms V86F.
Identifiers: ClinVar variation 1933122 (VCV001933122.6), dbSNP rs996086612, ClinGen allele CA384133342.

ClinVar aggregate classification (germline): Uncertain significance. Review status: criteria provided, multiple submitters, no conflicts (2 of 4 stars). 2 submissions from 2 submitters: Uncertain significance (2). Last evaluated 2024-09-08.

Submissions (2):

Ambry Genetics
Classification: Uncertain significance. Last evaluated: 2024-09-08. Review status: criteria provided, single submitter. Criteria: Ambry Variant Classification Scheme 2023. Collection method: clinical testing. Allele origin: germline.
Comment: The p.V86F variant (also known as c.256G>T), located in coding exon 3 of the RECQL gene, results from a G to T substitution at nucleotide position 256. The valine at codon 86 is replaced by phenylalanine, an amino acid with highly similar properties. This amino acid position is conserved. In addition, this alteration is predicted to be tolerated by in silico analysis. Based on the available evidence, the clinical significance of this variant remains unclear.

Labcorp Genetics (formerly Invitae), Labcorp
Classification: Uncertain significance. Last evaluated: 2022-05-27. Review status: criteria provided, single submitter. Criteria: Invitae Variant Classification Sherloc (09022015). Collection method: clinical testing. Allele origin: germline.
Comment: In summary, the available evidence is currently insufficient to determine the role of this variant in disease. Therefore, it has been classified as a Variant of Uncertain Significance. Algorithms developed to predict the effect of missense changes on protein structure and function (SIFT, PolyPhen-2, Align-GVGD) all suggest that this variant is likely to be tolerated. This variant has not been reported in the literature in individuals affected with RECQL-related conditions. This variant is not present in population databases (gnomAD no frequency). This sequence change replaces valine, which is neutral and non-polar, with phenylalanine, which is neutral and non-polar, at codon 86 of the RECQL protein (p.Val86Phe).